The following is an entry in ClinVar:

ClinVar aggregate classification (germline): Likely benign. Review status: criteria provided, multiple submitters, no conflicts (2 of 4 stars). 2 submissions from 2 submitters: Likely benign (2). Last evaluated 2025-08-15.

Allele frequency attached by ClinVar (database versions not stated): ExAC 0.00001; gnomAD exomes 0.00001; gnomAD 0.00003; TOPMed 0.00005.
gnomAD v4.1: 13 of 1,605,384 alleles (0.00081%); highest among the groups gnomAD compares: African/African-American, 0.0054%; no homozygotes.

Submissions (2):

Labcorp Genetics (formerly Invitae), Labcorp
Classification: Likely benign. Last evaluated: 2025-08-15. Review status: criteria provided, single submitter. Criteria: Invitae Variant Classification Sherloc (09022015). Collection method: clinical testing. Allele origin: germline.

CeGaT Center for Human Genetics Tuebingen
Classification: Likely benign. Last evaluated: 2024-11-01. Review status: criteria provided, single submitter. Criteria: CeGaT Center For Human Genetics Tuebingen Variant Classification Criteria Version 2. Collection method: clinical testing. Allele origin: germline. Affected: yes. Observed: 1 variant allele.
Comment: SLC12A1: BP4, BP7

NM_000338.3(SLC12A1):c.3174C>T (p.Pro1058=)

Gene: SLC12A1 (solute carrier family 12 member 1; plus strand). Cytogenetic location: 15q21.1.
Variant type: single nucleotide variant.
Coding change: c.3174C>T on transcript NM_000338.3 (MANE Select); coding-DNA position 3174, C replaced by T.
Protein change: p.Pro1058=; no amino-acid change (proline 1058 retained).
Molecular consequence: synonymous variant.
Genome position (GRCh38, 1-based): chr15:48,302,759, C>T. VCF-style: chr15-48302759-C-T. GRCh37 (hg19) VCF-style: chr15-48594956-C-T.
Other names: c.3174C>T, p.Pro1058= (NM_001184832.2, NM_001384136.1).
Identifiers: ClinVar variation 1984171 (VCV001984171.18), dbSNP rs759227833, ClinGen allele CA7547620.